The following is an entry in ClinVar:

ClinVar aggregate classification (germline): Uncertain significance (1 of 4 stars; one submission).

Allele frequency attached by ClinVar (database versions not stated): gnomAD exomes below 0.00001 and 0.00001; TOPMed 0.00001.

Submission:

Labcorp Genetics (formerly Invitae), Labcorp
Classification: Uncertain significance. Last evaluated: 2025-01-13. Review status: criteria provided, single submitter. Criteria: Invitae Variant Classification Sherloc (09022015). Collection method: clinical testing. Allele origin: germline.
Comment: This sequence change replaces arginine, which is basic and polar, with cysteine, which is neutral and slightly polar, at codon 1132 of the RBP3 protein (p.Arg1132Cys). The frequency data for this variant in the population databases is considered unreliable, as metrics indicate poor data quality at this position in the gnomAD database. This variant has not been reported in the literature in individuals affected with RBP3-related conditions. ClinVar contains an entry for this variant (Variation ID: 1000162). Invitae Evidence Modeling of protein sequence and biophysical properties (such as structural, functional, and spatial information, amino acid conservation, physicochemical variation, residue mobility, and thermodynamic stability) indicates that this missense variant is not expected to disrupt RBP3 protein function with a negative predictive value of 80%. In summary, the available evidence is currently insufficient to determine the role of this variant in disease. Therefore, it has been classified as a Variant of Uncertain Significance.

NM_002900.3(RBP3):c.3394C>T (p.Arg1132Cys)

Gene: RBP3 (retinol binding protein 3; plus strand). Cytogenetic location: 10q11.22.
Variant type: single nucleotide variant.
Coding change: c.3394C>T on transcript NM_002900.3 (MANE Select); coding-DNA position 3394, C replaced by T.
Protein change: p.Arg1132Cys; replaces arginine 1132 with cysteine.
Molecular consequence: missense variant.
Genome position (GRCh38, 1-based): chr10:47,357,107, C>T. VCF-style: chr10-47357107-C-T. GRCh37 (hg19) VCF-style: chr10-48382255-G-A.
Other names: short protein forms R1132C.
Identifiers: ClinVar variation 1000162 (VCV001000162.8), dbSNP rs1186084355, ClinGen allele CA376677121.